The following is an entry in ClinVar:

ClinVar aggregate classification (germline): Uncertain significance (1 of 4 stars; one submission).

Allele frequency attached by ClinVar (database versions not stated): gnomAD exomes below 0.00001.
gnomAD v4.1: 1 of 1,614,080 alleles (0.000062%); highest among the groups gnomAD compares: Admixed American, 0.0017%; no homozygotes.

Submission:

GeneDx
Classification: Uncertain significance. Last evaluated: 2026-01-17. Review status: criteria provided, single submitter. Criteria: GeneDx Variant Classification Process June 2021. Collection method: clinical testing. Allele origin: germline.
Comment: Not observed at significant frequency in large population cohorts (gnomAD); In silico analysis supports that this missense variant has a deleterious effect on protein structure/function; Has not been previously published as pathogenic or benign to our knowledge; This variant is associated with the following publications: (PMID: 10939567)

NM_170707.4(LMNA):c.1109A>G (p.Asp370Gly)

Gene: LMNA (lamin A/C; plus strand). Cytogenetic location: 1q22.
Variant type: single nucleotide variant.
Coding change: c.1109A>G on transcript NM_170707.4 (MANE Select); coding-DNA position 1109, A replaced by G.
Protein change: p.Asp370Gly; replaces aspartic acid 370 with glycine.
Molecular consequence: missense variant.
Genome position (GRCh38, 1-based): chr1:156,136,073, A>G. VCF-style: chr1-156136073-A-G. GRCh37 (hg19) VCF-style: chr1-156105864-A-G.
Other names: c.1109A>G, p.Asp370Gly (NM_170708.4, NM_001282625.2, NM_001282626.2 and 6 more transcripts); c.773A>G, p.Asp258Gly (NM_001257374.3, NM_001406989.1, NM_001406998.1); c.866A>G, p.Asp289Gly (NM_001282624.2, NM_001406986.1, NM_001406987.1); c.812A>G, p.Asp271Gly (NM_001406988.1); c.551A>G, p.Asp184Gly (NM_001406990.1, NM_001406993.1, NM_001406995.1 and 4 more transcripts); c.485A>G, p.Asp162Gly (NM_001406994.1, NM_001406999.1, NM_001407000.1 and 1 more transcripts); short protein forms D162G, D184G, D258G, D271G, D289G, D370G.
Identifiers: ClinVar variation 2499769 (VCV002499769.2), dbSNP rs1229847240, ClinGen allele CA342820467.
Genomic context (GRCh38, chr1:156,136,073, plus strand): 5'-CAAGGATGCAGCAGCAGCTGGACGAGTACCAGGAGCTTCTGGACATCAAGCTGGCCCTGG[A>G]CATGGAGATCCACGCCTACCGCAAGCTCTTGGAGGGCGAGGAGGAGAGGTGGGCTGGGGA-3'
Protein context (NP_733821.1, residues 360-380): QELLDIKLAL[Asp370Gly]MEIHAYRKLL